The following is an entry in ClinVar:

ClinVar aggregate classification (germline): Uncertain significance. Review status: criteria provided, multiple submitters, no conflicts (2 of 4 stars). 3 submissions from 3 submitters: Uncertain significance (3). Last evaluated 2023-05-11.

Conditions:
Immunodeficiency, common variable, 7. Identifiers: Orphanet 1572, Orphanet 696894, MedGen C3542922, MONDO:0013862, OMIM 614699.

Allele frequency attached by ClinVar (database versions not stated): gnomAD 0.00002 and 0.00003; ESP Exome Variant Server 0.00008; TOPMed 0.00005; gnomAD exomes 0.00006 and 0.00002; ExAC 0.00007; 1000 Genomes Project 0.00040; 1000 Genomes Project 30x 0.00031.
gnomAD v4.1: 31 of 1,613,972 alleles (0.0019%); highest among the groups gnomAD compares: South Asian, 0.023%; no homozygotes.

Submissions (3):

GeneDx
Classification: Uncertain significance. Last evaluated: 2023-05-11. Review status: criteria provided, single submitter. Criteria: GeneDx Variant Classification Process June 2021. Collection method: clinical testing. Allele origin: germline. Affected: yes.
Comment: In silico analysis supports that this missense variant has a deleterious effect on protein structure/function; Reported in an individual with very early onset inflammatory bowel disease (Kelsen JR et al. 2015); This variant is associated with the following publications: (PMID: 26193622)

Genome-Nilou Lab
Classification: Uncertain significance for Immunodeficiency, common variable, 7. Last evaluated: 2023-04-11. Review status: criteria provided, single submitter. Criteria: ACMG Guidelines, 2015. Collection method: clinical testing. Allele origin: germline. Affected: no.

Labcorp Genetics (formerly Invitae), Labcorp
Classification: Uncertain significance for Immunodeficiency, common variable, 7. Last evaluated: 2022-03-02. Review status: criteria provided, single submitter. Criteria: Invitae Variant Classification Sherloc (09022015). Collection method: clinical testing. Allele origin: germline.
Comment: This sequence change replaces asparagine, which is neutral and polar, with serine, which is neutral and polar, at codon 162 of the CR2 protein (p.Asn162Ser). This variant is present in population databases (rs190990627, gnomAD 0.03%). This missense change has been observed in individual(s) with very early onset inflammatory bowel disease (PMID: 26193622). Algorithms developed to predict the effect of missense changes on protein structure and function are either unavailable or do not agree on the potential impact of this missense change (SIFT: "Deleterious"; PolyPhen-2: "Benign"; Align-GVGD: "Class C0"). Algorithms developed to predict the effect of sequence changes on RNA splicing suggest that this variant may create or strengthen a splice site. In summary, the available evidence is currently insufficient to determine the role of this variant in disease. Therefore, it has been classified as a Variant of Uncertain Significance.

Literature cited by the submitters: PubMed 26193622 (cited by Labcorp Genetics (formerly Invitae), Labcorp).

NM_001006658.3(CR2):c.485A>G (p.Asn162Ser)

Gene: CR2 (complement C3d receptor 2; plus strand). Cytogenetic location: 1q32.2.
Variant type: single nucleotide variant.
Coding change: c.485A>G on transcript NM_001006658.3 (MANE Select); coding-DNA position 485, A replaced by G.
Protein change: p.Asn162Ser; replaces asparagine 162 with serine.
Molecular consequence: missense variant.
Genome position (GRCh38, 1-based): chr1:207,468,566, A>G. VCF-style: chr1-207468566-A-G. GRCh37 (hg19) VCF-style: chr1-207641911-A-G.
Other names: c.485A>G (NM_001006658.2); c.485A>G, p.Asn162Ser (NM_001877.5); short protein forms N162S.
Identifiers: ClinVar variation 1420501 (VCV001420501.6), dbSNP rs190990627, ClinGen allele CA1368448.